The following is an entry in ClinVar:

NM_000435.3(NOTCH3):c.3925C>T (p.Arg1309Cys)

Gene: NOTCH3 (notch receptor 3; minus strand). Cytogenetic location: 19p13.12.
Variant type: single nucleotide variant.
Coding change: c.3925C>T on transcript NM_000435.3 (MANE Select); coding-DNA position 3925, C replaced by T.
Protein change: p.Arg1309Cys; replaces arginine 1309 with cysteine.
Molecular consequence: missense variant.
Genome position (GRCh38, 1-based): chr19:15,178,003, G>A on the plus strand (C>T on the coding strand, the complement: NOTCH3 is on the minus strand). VCF-style: chr19-15178003-G-A. GRCh37 (hg19) VCF-style: chr19-15288814-G-A.
Other names: short protein forms R1309C.
Identifiers: ClinVar variation 1256516 (VCV001256516.1), dbSNP rs1402176902, ClinGen allele CA404506193.

ClinVar aggregate classification (germline): Pathogenic (1 of 4 stars; one submission).

Submission:

Athena Diagnostics
Classification: Pathogenic. Last evaluated: 2021-01-19. Review status: criteria provided, single submitter. Criteria: Athena Diagnostics criteria. Collection method: clinical testing. Allele origin: unknown.
Comment: This variant has not been reported in large, multi-ethnic general populations. This variant has been identified in at least one individual with clinical features associated with this gene. This variant alters a critical location within the protein, and is expected to severely affect function and cause disease. Greater than 90% of NOTCH3 pathogenic mutations associated with CADASIL involve the gain or loss of a cysteine residue within the epidermal growth factor (EGF)-like repeat domain (PMID: 32457593, 20301673).